The following is an entry in ClinVar:

NM_001127198.5(TMC6):c.896G>T (p.Cys299Phe)

Gene: TMC6 (transmembrane channel like 6; minus strand). Cytogenetic location: 17q25.3.
Variant type: single nucleotide variant.
Coding change: c.896G>T on transcript NM_001127198.5 (MANE Select); coding-DNA position 896, G replaced by T.
Protein change: p.Cys299Phe; replaces cysteine 299 with phenylalanine.
Molecular consequence: missense variant. On other transcripts: non-coding transcript variant (4).
Genome position (GRCh38, 1-based): chr17:78,124,175, C>A on the plus strand (G>T on the coding strand, the complement: TMC6 is on the minus strand). VCF-style: chr17-78124175-C-A. GRCh37 (hg19) VCF-style: chr17-76120256-C-A.
Other names: c.896G>T, p.Cys299Phe (NM_001321185.1, NM_001374593.1, NM_001374594.1 and 4 more transcripts); short protein forms C299F.
Identifiers: ClinVar variation 1346985 (VCV001346985.6), dbSNP rs768196061, ClinGen allele CA8795944.

ClinVar aggregate classification (germline): Uncertain significance (1 of 4 stars; one submission).

Conditions:
Epidermodysplasia verruciformis. Identifiers: Orphanet 302, MedGen C0014522, MONDO:0009176.

Allele frequency attached by ClinVar (database versions not stated): TOPMed below 0.00001; gnomAD 0.00001; ExAC 0.00002.
gnomAD v4.1: 1 of 1,611,030 alleles (0.000062%); highest among the groups gnomAD compares: Admixed American, 0.0017%; no homozygotes.

Submission:

Labcorp Genetics (formerly Invitae), Labcorp
Classification: Uncertain significance for Epidermodysplasia verruciformis. Last evaluated: 2021-09-26. Review status: criteria provided, single submitter. Criteria: Invitae Variant Classification Sherloc (09022015). Collection method: clinical testing. Allele origin: germline.
Comment: This sequence change replaces cysteine with phenylalanine at codon 299 of the TMC6 protein (p.Cys299Phe). The cysteine residue is weakly conserved and there is a large physicochemical difference between cysteine and phenylalanine. The frequency data for this variant in the population databases is considered unreliable, as metrics indicate poor data quality at this position in the ExAC database. In summary, the available evidence is currently insufficient to determine the role of this variant in disease. Therefore, it has been classified as a Variant of Uncertain Significance. Algorithms developed to predict the effect of missense changes on protein structure and function are either unavailable or do not agree on the potential impact of this missense change (SIFT: "Not Available"; PolyPhen-2: "Benign"; Align-GVGD: "Not Available"). This variant has not been reported in the literature in individuals affected with TMC6-related conditions.